The following is an entry in ClinVar:

NM_001365088.1(SLC12A6):c.*3097G>C

Gene: SLC12A6 (solute carrier family 12 member 6; minus strand). Cytogenetic location: 15q14.
Variant type: single nucleotide variant.
Coding change: c.*3097G>C on transcript NM_001365088.1 (MANE Select); 3097 bases downstream of the stop codon, G replaced by C.
Molecular consequence: 3 prime UTR variant.
Genome position (GRCh38, 1-based): chr15:34,230,784, C>G on the plus strand (G>C on the coding strand, the complement: SLC12A6 is on the minus strand). VCF-style: chr15-34230784-C-G. GRCh37 (hg19) VCF-style: chr15-34522985-C-G.
Other names: c.*3097G>C (NM_001042494.2, NM_001042495.2, NM_001042496.2 and 3 more transcripts).
Identifiers: ClinVar variation 315556 (VCV000315556.5), dbSNP rs4238571, ClinGen allele CA10635779.

ClinVar aggregate classification (germline): Benign (1 of 4 stars; one submission).

Conditions:
Agenesis of the corpus callosum with peripheral neuropathy (ACCPN). Also called: CHARLEVOIX DISEASE; POLYNEUROPATHY, SENSORIMOTOR, WITH OR WITHOUT AGENESIS OF THE CORPUS CALLOSUM; HMSN/ACC; Hereditary Motor and Sensory Neuropathy with Agenesis of the Corpus Callosum. Identifiers: Orphanet 1496, MedGen C0795950, MONDO:0000902, OMIM 218000. Disease mechanism: loss of function.

Allele frequency attached by ClinVar (database versions not stated): TOPMed 0.96392; 1000 Genomes Project 30x 0.96471; 1000 Genomes Project 0.96705; gnomAD 0.96869; gnomAD exomes 1.00000.
gnomAD v4.1: 147,860 of 152,750 alleles (97%); highest among the groups gnomAD compares: East Asian, 100%; 71,742 homozygotes.

Submission:

Illumina Laboratory Services, Illumina
Classification: Benign for Agenesis of the corpus callosum with peripheral neuropathy. Last evaluated: 2018-01-13. Review status: criteria provided, single submitter. Criteria: ICSL Variant Classification Criteria 13 December 2019. Collection method: clinical testing. Allele origin: germline.
Comment: This variant was observed in the ICSL laboratory as part of a predisposition screen in an ostensibly healthy population. It had not been previously curated by ICSL or reported in the Human Gene Mutation Database (HGMD: prior to June 1st, 2018), and was therefore a candidate for classification through an automated scoring system. Utilizing variant allele frequency, disease prevalence and penetrance estimates, and inheritance mode, an automated score was calculated to assess if this variant is too frequent to cause the disease. Based on the score and internal cut-off values, a variant classified as benign is not then subjected to further curation. The score for this variant resulted in a classification of benign for this disease.